The following is an entry in ClinVar:

NM_001363711.2(DUOX2):c.4246T>A (p.Phe1416Ile)

Gene: DUOX2 (dual oxidase 2; minus strand). Cytogenetic location: 15q21.1.
Variant type: single nucleotide variant.
Coding change: c.4246T>A on transcript NM_001363711.2 (MANE Select); coding-DNA position 4246, T replaced by A.
Protein change: p.Phe1416Ile; replaces phenylalanine 1416 with isoleucine.
Molecular consequence: missense variant.
Genome position (GRCh38, 1-based): chr15:45,095,085, A>T on the plus strand (T>A on the coding strand, the complement: DUOX2 is on the minus strand). VCF-style: chr15-45095085-A-T. GRCh37 (hg19) VCF-style: chr15-45387283-A-T.
Other names: c.4246T>A, p.Phe1416Ile (NM_014080.5); short protein forms F1416I.
Identifiers: ClinVar variation 1706293 (VCV001706293.3), dbSNP rs1893866328, ClinGen allele CA392250929.
Genomic context (GRCh38, chr15:45,095,085, plus strand): 5'-CCTCTTGGATGATGTCAGCCAGCCACTCAAACTGACGCTGGGTCCGTGTCACCCAGATGA[A>T]GTAGATCTGGGGACACAGGGCTGGAGATCAGGACCCAGCTCAGTTCAGCCTCCCTAGATC-3'
Protein context (NP_001350640.1, residues 1406-1426): GSQMLCKKIY[Phe1416Ile]IWVTRTQRQF

ClinVar aggregate classification (germline): Uncertain significance. Review status: criteria provided, multiple submitters, no conflicts (2 of 4 stars). 2 submissions from 2 submitters: Uncertain significance (2). Last evaluated 2025-02-09.

Allele frequency attached by ClinVar (database versions not stated): gnomAD exomes 0.00001.
gnomAD v4.1: 7 of 1,613,762 alleles (0.00043%); highest among the groups gnomAD compares: East Asian, 0.016%; no homozygotes.

Submissions (2):

Labcorp Genetics (formerly Invitae), Labcorp
Classification: Uncertain significance. Last evaluated: 2025-02-09. Review status: criteria provided, single submitter. Criteria: Invitae Variant Classification Sherloc (09022015). Collection method: clinical testing. Allele origin: germline.
Comment: This sequence change replaces phenylalanine, which is neutral and non-polar, with isoleucine, which is neutral and non-polar, at codon 1416 of the DUOX2 protein (p.Phe1416Ile). This variant is not present in population databases (gnomAD no frequency). This variant has not been reported in the literature in individuals affected with DUOX2-related conditions. ClinVar contains an entry for this variant (Variation ID: 1706293). Invitae Evidence Modeling of protein sequence and biophysical properties (such as structural, functional, and spatial information, amino acid conservation, physicochemical variation, residue mobility, and thermodynamic stability) indicates that this missense variant is expected to disrupt DUOX2 protein function with a positive predictive value of 95%. In summary, the available evidence is currently insufficient to determine the role of this variant in disease. Therefore, it has been classified as a Variant of Uncertain Significance.

GeneDx
Classification: Uncertain significance. Last evaluated: 2022-03-14. Review status: criteria provided, single submitter. Criteria: GeneDx Variant Classification Process June 2021. Collection method: clinical testing. Allele origin: germline. Affected: yes.
Comment: Has not been previously published as pathogenic or benign to our knowledge; Not observed at significant frequency in large population cohorts (gnomAD); In silico analysis supports that this missense variant has a deleterious effect on protein structure/function